The following is an entry in ClinVar:

ClinVar aggregate classification (germline): Uncertain significance (1 of 4 stars; one submission).

Conditions:
FOCAD-related disorder. Also called: FOCAD-related condition.

Allele frequency attached by ClinVar (database versions not stated): TOPMed below 0.00001; gnomAD 0.00001.
gnomAD v4.1: 1 of 1,614,048 alleles (0.000062%); highest among the groups gnomAD compares: Non-Finnish European, 0.000085%; no homozygotes.

Submission:

PreventionGenetics, part of Exact Sciences
Classification: Uncertain significance for FOCAD-related condition. Last evaluated: 2023-01-30. Review status: criteria provided, single submitter. Criteria: ACMG Guidelines, 2015. Collection method: clinical testing. Allele origin: germline.
Comment: The FOCAD c.4396C>T variant is predicted to result in the amino acid substitution p.Leu1466Phe. To our knowledge, this variant has not been reported in the literature or in a large population database, indicating this variant is rare. At this time, the clinical significance of this variant is uncertain due to the absence of conclusive functional and genetic evidence.

NM_001375567.1(FOCAD):c.4396C>T (p.Leu1466Phe)

Gene: FOCAD (focadhesin; plus strand). Cytogenetic location: 9p21.3.
Variant type: single nucleotide variant.
Coding change: c.4396C>T on transcript NM_001375567.1 (MANE Select); coding-DNA position 4396, C replaced by T.
Protein change: p.Leu1466Phe; replaces leucine 1466 with phenylalanine.
Molecular consequence: missense variant.
Genome position (GRCh38, 1-based): chr9:20,981,444, C>T. VCF-style: chr9-20981444-C-T. GRCh37 (hg19) VCF-style: chr9-20981443-C-T.
Other names: c.4291C>T, p.Leu1431Phe (NM_001375568.1, NM_001375570.1); c.4396C>T, p.Leu1466Phe (NM_017794.5); short protein forms L1431F, L1466F.
Identifiers: ClinVar variation 2630367 (VCV002630367.1), dbSNP rs1402597612, ClinGen allele CA373055096.